The following is an entry in ClinVar:

NM_000275.3(OCA2):c.102C>T (p.Gly34=)

Gene: OCA2 (OCA2 melanosomal transmembrane protein; minus strand). Cytogenetic location: 15q13.1.
Variant type: single nucleotide variant.
Coding change: c.102C>T on transcript NM_000275.3 (MANE Select); coding-DNA position 102, C replaced by T.
Protein change: p.Gly34=; no amino-acid change (glycine 34 retained).
Molecular consequence: synonymous variant.
Genome position (GRCh38, 1-based): chr15:28,081,773, G>A on the plus strand (C>T on the coding strand, the complement: OCA2 is on the minus strand). VCF-style: chr15-28081773-G-A. GRCh37 (hg19) VCF-style: chr15-28326919-G-A.
Other names: c.102C>T, p.Gly34= (NM_001300984.2).
Identifiers: ClinVar variation 1315395 (VCV001315395.7), dbSNP rs2141897927, ClinGen allele CA488959944.

ClinVar aggregate classification (germline): Uncertain significance. Review status: criteria provided, multiple submitters, no conflicts (2 of 4 stars). 2 submissions from 2 submitters: Uncertain significance (2). Last evaluated 2021-08-27.

Submissions (2):

Labcorp Genetics (formerly Invitae), Labcorp
Classification: Uncertain significance. Last evaluated: 2021-08-27. Review status: criteria provided, single submitter. Criteria: Invitae Variant Classification Sherloc (09022015). Collection method: clinical testing. Allele origin: germline.
Comment: Algorithms developed to predict the effect of sequence changes on RNA splicing suggest that this variant may create or strengthen a splice site. In summary, the available evidence is currently insufficient to determine the role of this variant in disease. Therefore, it has been classified as a Variant of Uncertain Significance. This variant has been observed in individual(s) with oculocutaneous albinism (Invitae). This sequence change affects codon 34 of the OCA2 mRNA. It is a 'silent' change, meaning that it does not change the encoded amino acid sequence of the OCA2 protein. This variant is not present in population databases (ExAC no frequency).

GeneDx
Classification: Uncertain significance. Last evaluated: 2020-02-19. Review status: criteria provided, single submitter. Criteria: GeneDx Variant Classification Process June 2021. Collection method: clinical testing. Allele origin: germline. Affected: yes.
Comment: Not observed in large population cohorts (Lek et al., 2016); Has not been previously published as pathogenic or benign to our knowledge; In silico analysis, which includes splice predictors, suggests this variant may impact gene splicing. In the absence of RNA/functional studies, the actual effect of this sequence change is unknown.